The following is an entry in ClinVar:

NM_001278716.2(FBXL4):c.1069A>G (p.Asn357Asp)

Gene: FBXL4 (F-box and leucine rich repeat protein 4; minus strand). Cytogenetic location: 6q16.2.
Variant type: single nucleotide variant.
Coding change: c.1069A>G on transcript NM_001278716.2 (MANE Select); coding-DNA position 1069, A replaced by G.
Protein change: p.Asn357Asp; replaces asparagine 357 with aspartic acid.
Molecular consequence: missense variant. On other transcripts: non-coding transcript variant (2).
Genome position (GRCh38, 1-based): chr6:98,905,460, T>C on the plus strand (A>G on the coding strand, the complement: FBXL4 is on the minus strand). VCF-style: chr6-98905460-T-C. GRCh37 (hg19) VCF-style: chr6-99353336-T-C.
Other names: c.1069A>G, p.Asn357Asp (NM_012160.5); short protein forms N357D.
Identifiers: ClinVar variation 437681 (VCV000437681.7), dbSNP rs199540184, ClinGen allele CA3933556.

ClinVar aggregate classification (germline): Uncertain significance. Review status: criteria provided, multiple submitters, no conflicts (2 of 4 stars). 3 submissions from 3 submitters: Uncertain significance (3). Last evaluated 2023-08-17.

Conditions:
Mitochondrial DNA depletion syndrome 13. Also called: FBXL4-Related Encephalomyopathic Mitochondrial DNA Depletion Syndrome; Mitochondrial DNA depletion syndrome 13 (encephalomyopathic type). Identifiers: Orphanet 369897, MedGen C3809592, MONDO:0014198, OMIM 615471.

Allele frequency attached by ClinVar (database versions not stated): ExAC 0.00002; 1000 Genomes Project 0.00040; 1000 Genomes Project 30x 0.00047; gnomAD 0.00002 and 0.00003; gnomAD exomes 0.00002; TOPMed 0.00004.
gnomAD v4.1: 13 of 1,614,054 alleles (0.00081%); highest among the groups gnomAD compares: Admixed American, 0.02%; no homozygotes.

Submissions (3):

Labcorp Genetics (formerly Invitae), Labcorp
Classification: Uncertain significance. Last evaluated: 2023-08-17. Review status: criteria provided, single submitter. Criteria: Invitae Variant Classification Sherloc (09022015). Collection method: clinical testing. Allele origin: germline.
Comment: Advanced modeling of protein sequence and biophysical properties (such as structural, functional, and spatial information, amino acid conservation, physicochemical variation, residue mobility, and thermodynamic stability) has been performed at Invitae for this missense variant, however the output from this modeling did not meet the statistical confidence thresholds required to predict the impact of this variant on FBXL4 protein function. ClinVar contains an entry for this variant (Variation ID: 437681). This variant has not been reported in the literature in individuals affected with FBXL4-related conditions. This variant is present in population databases (rs199540184, gnomAD 0.01%). This sequence change replaces asparagine, which is neutral and polar, with aspartic acid, which is acidic and polar, at codon 357 of the FBXL4 protein (p.Asn357Asp). In summary, the available evidence is currently insufficient to determine the role of this variant in disease. Therefore, it has been classified as a Variant of Uncertain Significance.

Wong Mito Lab, Molecular and Human Genetics, Baylor College of Medicine
Classification: Uncertain significance for Mitochondrial DNA depletion syndrome 13. Last evaluated: 2017-08-10. Review status: criteria provided, single submitter. Criteria: ACMG Guidelines, 2015. Collection method: reference population. Allele origin: germline.
Comment: The NM_012160.4:c.1069A>G (NP_036292.2:p.Asn357Asp) [GRCH38: NC_000006.12:g.98905460T>C] variant in FBXL4 gene is interpretated to be a Uncertain Significance - Conflicting Evidence based on ACMG guidelines (PMID: 25741868). This variant meets one or more of the following evidence codes reported in the ACMG-guideline. PM2:This variant is absent in key population databases. BP4:Computational evidence/predictors indicate no impact on the FBXL4 structure, function, or protein-protein interaction. Based on this evidence code ClinGen Pathogenicity Calculator (PMID:28081714) suggested that the variant is Uncertain Significance - Conflicting Evidence.

Breakthrough Genomics
Classification: Uncertain significance. Review status: criteria provided, single submitter. Criteria: ACMG Guidelines, 2015. Collection method: not provided. Allele origin: germline. Inheritance: Autosomal recessive inheritance. Affected: yes.